The following is an entry in ClinVar:

ClinVar aggregate classification (germline): Benign/Likely benign. Review status: criteria provided, multiple submitters, no conflicts (2 of 4 stars). 10 submissions from 10 submitters: Benign (1); Likely benign (5). 4 of the submissions do not count toward it. Last evaluated 2026-09-01.

Conditions:
Neurodegeneration with ataxia and late-onset optic atrophy. Identifiers: MedGen C5543254, MONDO:0031006, OMIM 619259.
Dilated cardiomyopathy 1GG (CMD1GG). Identifiers: Orphanet 154, MedGen C3150898, MONDO:0013339, OMIM 613642.
Mitochondrial complex II deficiency, nuclear type 1. Also called: SUCCINATE CoQ REDUCTASE DEFICIENCY. Identifiers: Orphanet 3208, MedGen C5700310, MONDO:0100294, OMIM 252011.
Pheochromocytoma/paraganglioma syndrome 5. Also called: Paragangliomas 5; SDHA-Related Hereditary Paraganglioma-Pheochromocytoma Syndrome. Identifiers: Orphanet 29072, MedGen C3279992, MONDO:0013602, OMIM 614165.

Allele frequency attached by ClinVar (database versions not stated): TOPMed 0.00221; ESP Exome Variant Server 0.00246; gnomAD exomes 0.00269 and 0.00196; 1000 Genomes Project 30x 0.00344; gnomAD 0.00198 and 0.00207; ExAC 0.00201.
gnomAD v4.1: 4,008 of 1,521,746 alleles (0.26%); highest among the groups gnomAD compares: East Asian, 0.36%; 14 homozygotes.

Submissions (10):

CeGaT Center for Human Genetics Tuebingen
Classification: Likely benign. Last evaluated: 2026-09-01. Review status: criteria provided, single submitter. Criteria: CeGaT Center For Human Genetics Tuebingen Variant Classification Criteria Version 2. Collection method: clinical testing. Allele origin: germline. Affected: yes. Observed: 2 variant alleles.
Comment: SDHA: BS2

Labcorp Genetics (formerly Invitae), Labcorp
Classification: Benign for Pheochromocytoma/paraganglioma syndrome 5; Mitochondrial complex II deficiency, nuclear type 1. Last evaluated: 2026-02-04. Review status: criteria provided, single submitter. Criteria: Invitae Variant Classification Sherloc (09022015). Collection method: clinical testing. Allele origin: germline.

ARUP Laboratories, Molecular Genetics and Genomics, ARUP Laboratories
Classification: Likely benign. Last evaluated: 2025-01-10. Review status: criteria provided, single submitter. Criteria: ARUP Molecular Germline Variant Investigation Process 2024. Collection method: clinical testing. Allele origin: germline.

Blueprint Genetics
Classification: Likely benign. Last evaluated: 2024-10-28. Review status: criteria provided, single submitter. Criteria: ACMG Guidelines, 2015. Collection method: clinical testing. Allele origin: germline.

Fulgent Genetics
Classification: Likely benign for Mitochondrial complex II deficiency, nuclear type 1; Dilated cardiomyopathy 1GG; Pheochromocytoma/paraganglioma syndrome 5; Neurodegeneration with ataxia and late-onset optic atrophy. Last evaluated: 2021-09-01. Review status: criteria provided, single submitter. Criteria: ACMG Guidelines, 2015. Collection method: clinical testing. Allele origin: unknown.

GeneDx
Classification: Likely benign. Last evaluated: 2017-12-06. Review status: criteria provided, single submitter. Criteria: GeneDx Variant Classification (06012015). Collection method: clinical testing. Allele origin: germline. Affected: yes.
Comment: This variant is considered likely benign or benign based on one or more of the following criteria: it is a conservative change, it occurs at a poorly conserved position in the protein, it is predicted to be benign by multiple in silico algorithms, and/or has population frequency not consistent with disease.

Diagnostic Laboratory, Department of Genetics, University Medical Center Groningen
Classification: Likely benign. Review status: no assertion criteria provided. Collection method: clinical testing. Allele origin: germline. Affected: yes. Study: VKGL Data-share Consensus. Not counted in ClinVar's aggregate classification.

Genome Diagnostics Laboratory, Amsterdam University Medical Center
Classification: Benign. Review status: no assertion criteria provided. Collection method: clinical testing. Allele origin: germline. Affected: yes. Study: VKGL Data-share Consensus. Not counted in ClinVar's aggregate classification.

Joint Genome Diagnostic Labs from Nijmegen and Maastricht, Radboudumc and MUMC+
Classification: Likely benign. Review status: no assertion criteria provided. Collection method: clinical testing. Allele origin: germline. Affected: yes. Study: VKGL Data-share Consensus. Not counted in ClinVar's aggregate classification.

Laboratory of Diagnostic Genome Analysis, Leiden University Medical Center (LUMC)
Classification: Likely benign. Review status: no assertion criteria provided. Collection method: clinical testing. Allele origin: germline. Affected: yes. Study: VKGL Data-share Consensus. Not counted in ClinVar's aggregate classification.

NM_004168.4(SDHA):c.1551+16C>T

Gene: SDHA (succinate dehydrogenase complex flavoprotein subunit A; plus strand). Cytogenetic location: 5p15.33.
Variant type: single nucleotide variant.
Coding change: c.1551+16C>T on transcript NM_004168.4 (MANE Select); 16 bases into the intron after coding-DNA position 1551, C replaced by T.
Molecular consequence: intron variant.
Genome position (GRCh38, 1-based): chr5:240,492, C>T. VCF-style: chr5-240492-C-T. GRCh37 (hg19) VCF-style: chr5-240607-C-T.
Other names: c.1551+16C>T (NM_001330758.2); c.1407+16C>T (NM_001294332.2).
Identifiers: ClinVar variation 380580 (VCV000380580.22), dbSNP rs184954254, ClinGen allele CA3173278.